The following is an entry in ClinVar:

ClinVar aggregate classification (germline): Uncertain significance (1 of 4 stars; one submission).

Allele frequency attached by ClinVar (database versions not stated): gnomAD exomes below 0.00001.
gnomAD v4.1: 1 of 1,552,082 alleles (0.000064%); highest among the groups gnomAD compares: East Asian, 0.0024%; no homozygotes.

Submission:

Labcorp Genetics (formerly Invitae), Labcorp
Classification: Uncertain significance. Last evaluated: 2024-04-25. Review status: criteria provided, single submitter. Criteria: Invitae Variant Classification Sherloc (09022015). Collection method: clinical testing. Allele origin: germline.
Comment: This sequence change replaces leucine, which is neutral and non-polar, with proline, which is neutral and non-polar, at codon 1761 of the MYO7A protein (p.Leu1761Pro). This variant is not present in population databases (gnomAD no frequency). This variant has not been reported in the literature in individuals affected with MYO7A-related conditions. ClinVar contains an entry for this variant (Variation ID: 1513260). Advanced modeling of protein sequence and biophysical properties (such as structural, functional, and spatial information, amino acid conservation, physicochemical variation, residue mobility, and thermodynamic stability) performed at Invitae indicates that this missense variant is not expected to disrupt MYO7A protein function with a negative predictive value of 95%. In summary, the available evidence is currently insufficient to determine the role of this variant in disease. Therefore, it has been classified as a Variant of Uncertain Significance.

NM_000260.4(MYO7A):c.5282T>C (p.Leu1761Pro)

Gene: MYO7A (myosin VIIA; plus strand). Cytogenetic location: 11q13.5.
Variant type: single nucleotide variant.
Coding change: c.5282T>C on transcript NM_000260.4 (MANE Select); coding-DNA position 5282, T replaced by C.
Protein change: p.Leu1761Pro; replaces leucine 1761 with proline.
Molecular consequence: missense variant.
Genome position (GRCh38, 1-based): chr11:77,203,173, T>C. VCF-style: chr11-77203173-T-C. GRCh37 (hg19) VCF-style: chr11-76914218-T-C.
Other names: c.5168T>C, p.Leu1723Pro (NM_001127180.2); c.5135T>C, p.Leu1712Pro (NM_001369365.1); short protein forms L1723P, L1761P, L1712P.
Identifiers: ClinVar variation 1513260 (VCV001513260.8), dbSNP rs2135713526, ClinGen allele CA381952366.